The following is an entry in ClinVar:

NM_001557.4(CXCR2):c.551G>A (p.Arg184Gln)

Gene: CXCR2 (C-X-C motif chemokine receptor 2; plus strand). Cytogenetic location: 2q35.
Variant type: single nucleotide variant.
Coding change: c.551G>A on transcript NM_001557.4 (MANE Select); coding-DNA position 551, G replaced by A.
Protein change: p.Arg184Gln; replaces arginine 184 with glutamine.
Molecular consequence: missense variant.
Genome position (GRCh38, 1-based): chr2:218,135,352, G>A. VCF-style: chr2-218135352-G-A. GRCh37 (hg19) VCF-style: chr2-219000075-G-A.
Other names: c.551G>A, p.Arg184Gln (NM_001168298.2); short protein forms R184Q.
Identifiers: ClinVar variation 3652455 (VCV003652455.2).

ClinVar aggregate classification (germline): Uncertain significance (1 of 4 stars; one submission).

Submission:

Labcorp Genetics (formerly Invitae), Labcorp
Classification: Uncertain significance. Last evaluated: 2025-03-31. Review status: criteria provided, single submitter. Criteria: Invitae Variant Classification Sherloc (09022015). Collection method: clinical testing. Allele origin: germline.
Comment: This sequence change replaces arginine, which is basic and polar, with glutamine, which is neutral and polar, at codon 184 of the CXCR2 protein (p.Arg184Gln). This variant is present in population databases (rs760485215, gnomAD 0.02%). This variant has not been reported in the literature in individuals affected with CXCR2-related conditions. An algorithm developed to predict the effect of missense changes on protein structure and function (PolyPhen-2) suggests that this variant is likely to be disruptive. In summary, the available evidence is currently insufficient to determine the role of this variant in disease. Therefore, it has been classified as a Variant of Uncertain Significance.